The following is an entry in ClinVar:

ClinVar aggregate classification (germline): Uncertain significance (1 of 4 stars; one submission).

Allele frequency attached by ClinVar (database versions not stated): gnomAD exomes below 0.00001; gnomAD 0.00001; TOPMed 0.00001.
gnomAD v4.1: 5 of 1,558,820 alleles (0.00032%); highest among the groups gnomAD compares: African/African-American, 0.0041%; no homozygotes.

Submission:

CeGaT Center for Human Genetics Tuebingen
Classification: Uncertain significance. Last evaluated: 2022-10-01. Review status: criteria provided, single submitter. Criteria: CeGaT Center For Human Genetics Tuebingen Variant Classification Criteria Version 2. Collection method: clinical testing. Allele origin: germline. Affected: yes. Observed: 1 variant allele.
Comment: TET3: PM2, PP2, BP5

NM_001287491.2(TET3):c.2878C>T (p.Leu960Phe)

Gene: TET3 (tet methylcytosine dioxygenase 3; plus strand). Cytogenetic location: 2p13.1.
Variant type: single nucleotide variant.
Coding change: c.2878C>T on transcript NM_001287491.2 (MANE Select); coding-DNA position 2878, C replaced by T.
Protein change: p.Leu960Phe; replaces leucine 960 with phenylalanine.
Molecular consequence: missense variant.
Genome position (GRCh38, 1-based): chr2:74,088,028, C>T. VCF-style: chr2-74088028-C-T. GRCh37 (hg19) VCF-style: chr2-74315155-C-T.
Other names: c.2599C>T, p.Leu867Phe (NM_001366022.1); c.2473C>T, p.Leu825Phe (NM_144993.1); short protein forms L825F, L867F, L960F.
Identifiers: ClinVar variation 1879476 (VCV001879476.29), dbSNP rs968928980, ClinGen allele CA50446998.